The following is an entry in ClinVar:

ClinVar aggregate classification (germline): Pathogenic/Likely pathogenic. Review status: criteria provided, multiple submitters, no conflicts (2 of 4 stars). 2 submissions from 2 submitters: Pathogenic (1); Likely pathogenic (1). Last evaluated 2023-06-14.

Conditions:
Glucose-6-phosphate transport defect (GSD1B). Also called: Glycogen Storage Disease Type Ib; GSD Ib. Identifiers: Orphanet 364, Orphanet 79259, MedGen C0268146, MONDO:0009288, OMIM 232220.

Submissions (2):

Labcorp Genetics (formerly Invitae), Labcorp
Classification: Pathogenic for Glucose-6-phosphate transport defect. Last evaluated: 2023-06-14. Review status: criteria provided, single submitter. Criteria: Invitae Variant Classification Sherloc (09022015). Collection method: clinical testing. Allele origin: germline.
Comment: This variant disrupts a region of the SLC37A4 protein in which other variant(s) (p.Arg415*) have been determined to be pathogenic (PMID: 10931421, 15059622, 21575371; Invitae). This suggests that this is a clinically significant region of the protein, and that variants that disrupt it are likely to be disease-causing. ClinVar contains an entry for this variant (Variation ID: 987812). This premature translational stop signal has been observed in individual(s) with glycogen storage disease (PMID: 21659346). This variant is not present in population databases (gnomAD no frequency). This sequence change creates a premature translational stop signal (p.Phe340Cysfs*55) in the SLC37A4 gene. While this is not anticipated to result in nonsense mediated decay, it is expected to disrupt the last 90 amino acid(s) of the SLC37A4 protein. For these reasons, this variant has been classified as Pathogenic.

Women's Health and Genetics/Laboratory Corporation of America, LabCorp
Classification: Likely pathogenic for Glucose-6-phosphate transport defect. Last evaluated: 2020-11-06. Review status: criteria provided, single submitter. Criteria: LabCorp Variant Classification Summary - May 2015. Collection method: clinical testing. Allele origin: germline.
Comment: Variant summary: SLC37A4 c.1019_1038del20 (p.Phe340CysfsX55) results in a premature termination codon, predicted to cause a truncation of the encoded protein or absence of the protein due to nonsense mediated decay, which are commonly known mechanisms for disease. Truncations downstream of this position have been classified as pathogenic by our laboratory. The variant was absent in 246268 control chromosomes (gnomAD). c.1019_1038del20 has been reported in the literature in one individual affected with Glycogen Storage Disease Type Ib (Tsangaris_2011). These data indicate that the variant is likely to be associated with disease. To our knowledge, no experimental evidence demonstrating an impact on protein function has been reported. No clinical diagnostic laboratories have submitted clinical-significance assessments for this variant to ClinVar after 2014. Based on the evidence outlined above, the variant was classified as likely pathogenic.

Literature cited by the submitters: PubMed 10931421 (cited by Labcorp Genetics (formerly Invitae), Labcorp); PubMed 15059622 (cited by Labcorp Genetics (formerly Invitae), Labcorp); PubMed 21575371 (cited by Labcorp Genetics (formerly Invitae), Labcorp); PubMed 21659346 (cited by Labcorp Genetics (formerly Invitae), Labcorp and Women's Health and Genetics/Laboratory Corporation of America, LabCorp).

NM_001164277.2(SLC37A4):c.1019_1038del (p.Phe340fs)

Gene: SLC37A4 (solute carrier family 37 member 4; minus strand). Cytogenetic location: 11q23.3.
Variant type: Deletion.
Coding change: c.1019_1038del on transcript NM_001164277.2 (MANE Select); coding-DNA positions 1019 to 1038, 20 bases deleted (TCTCCTCGTATGGCCCCATT).
Protein change: p.Phe340fs; shifts the reading frame from phenylalanine 340.
Molecular consequence: frameshift variant.
Genome position (GRCh38, 1-based): chr11:119,025,276-119,025,295, AATGGGGCCATACGAGGAGA deleted on the plus strand (TCTCCTCGTATGGCCCCATT on the coding strand, the reverse complement: SLC37A4 is on the minus strand); deleting any 20 consecutive bases within chr11:119,025,276-119,025,297 gives the same sequence; the c. name uses the placement nearest the transcript's 3' end. VCF-style (leftmost placement, unchanged base first): chr11-119025275-CAATGGGGCCATACGAGGAGA-C. GRCh37 (hg19) VCF-style: chr11-118895985-CAATGGGGCCATACGAGGAGA-C.
Other names: c.1019_1038del20 (NM_001164277.1); c.1085_1104del, p.Phe362fs (NM_001164278.2); c.800_819del, p.Phe267fs (NM_001164279.2); c.1019_1038del, p.Phe340fs (NM_001164280.2, NM_001467.6); short protein forms F267fs, F340fs, F362fs.
Identifiers: ClinVar variation 987812 (VCV000987812.5), dbSNP rs1943525176, ClinGen allele CA1139662374.
Genomic context (GRCh38, chr11:119,025,275, plus strand): 5'-CGTGGGAGGTGCCACACAAGTTGGGAGGGGCACTCTCGTTGGCTATGACTCCAAACAGGG[CAATGGGGCCATACGAGGAGA>C]AACCAAATACAGCTCCCAATACCAGGATCCAGAGCTGCCAAGGGCAGAGTGGAGTGGCAT-3'